The following is an entry in ClinVar:

ClinVar aggregate classification (germline): Uncertain significance (1 of 4 stars; one submission).

Conditions:
T-cell immunodeficiency, congenital alopecia, and nail dystrophy. Also called: Congenital alopecia and nail dystrophy associated with severe functional T-cell immunodeficiency; Pignata Guarino syndrome. Identifiers: Orphanet 169095, MedGen C1866426, MONDO:0011132, OMIM 601705.

Allele frequency attached by ClinVar (database versions not stated): gnomAD exomes 0.00001; TOPMed 0.00005; gnomAD 0.00011.
gnomAD v4.1: 22 of 1,611,352 alleles (0.0014%); highest among the groups gnomAD compares: Admixed American, 0.037%; no homozygotes.

Submission:

Labcorp Genetics (formerly Invitae), Labcorp
Classification: Uncertain significance for T-cell immunodeficiency, congenital alopecia, and nail dystrophy. Last evaluated: 2024-08-19. Review status: criteria provided, single submitter. Criteria: Invitae Variant Classification Sherloc (09022015). Collection method: clinical testing. Allele origin: germline.
Comment: This sequence change replaces glutamine, which is neutral and polar, with arginine, which is basic and polar, at codon 228 of the FOXN1 protein (p.Gln228Arg). This variant is present in population databases (no rsID available, gnomAD 0.01%). This variant has not been reported in the literature in individuals affected with FOXN1-related conditions. Invitae Evidence Modeling of protein sequence and biophysical properties (such as structural, functional, and spatial information, amino acid conservation, physicochemical variation, residue mobility, and thermodynamic stability) indicates that this missense variant is not expected to disrupt FOXN1 protein function with a negative predictive value of 80%. In summary, the available evidence is currently insufficient to determine the role of this variant in disease. Therefore, it has been classified as a Variant of Uncertain Significance.

NM_001369369.1(FOXN1):c.683A>G (p.Gln228Arg)

Gene: FOXN1 (forkhead box N1; plus strand). Cytogenetic location: 17q11.2.
Variant type: single nucleotide variant.
Coding change: c.683A>G on transcript NM_001369369.1 (MANE Select); coding-DNA position 683, A replaced by G.
Protein change: p.Gln228Arg; replaces glutamine 228 with arginine.
Molecular consequence: missense variant.
Genome position (GRCh38, 1-based): chr17:28,527,345, A>G. VCF-style: chr17-28527345-A-G. GRCh37 (hg19) VCF-style: chr17-26854363-A-G.
Other names: c.683A>G, p.Gln228Arg (NM_003593.3); short protein forms Q228R.
Identifiers: ClinVar variation 2886302 (VCV002886302.3), dbSNP rs1482700012, ClinGen allele CA398322470.